The following is an entry in ClinVar:

NM_153460.4(IL17RC):c.1348G>T (p.Asp450Tyr)

Gene: IL17RC (interleukin 17 receptor C; plus strand). Cytogenetic location: 3p25.3.
Variant type: single nucleotide variant.
Coding change: c.1348G>T on transcript NM_153460.4 (MANE Select); coding-DNA position 1348, G replaced by T.
Protein change: p.Asp450Tyr; replaces aspartic acid 450 with tyrosine.
Molecular consequence: missense variant. On other transcripts: non-coding transcript variant (1).
Genome position (GRCh38, 1-based): chr3:9,930,904, G>T. VCF-style: chr3-9930904-G-T. GRCh37 (hg19) VCF-style: chr3-9972588-G-T.
Other names: c.1348G>T, p.Asp450Tyr (NM_001203263.2); c.1297G>T, p.Asp433Tyr (NM_001203264.2); c.1252G>T, p.Asp418Tyr (NM_001203265.2, NM_001410711.1); c.1309G>T, p.Asp437Tyr (NM_001367278.1); c.1228G>T, p.Asp410Tyr (NM_001367279.1); c.1303G>T, p.Asp435Tyr (NM_001367280.1, NM_032732.6); c.1561G>T, p.Asp521Tyr (NM_153461.4); short protein forms D410Y, D437Y, D521Y, D418Y, D433Y, D435Y, D450Y.
Identifiers: ClinVar variation 3009020 (VCV003009020.3), dbSNP rs369935366, ClinGen allele CA2247248.

ClinVar aggregate classification (germline): Uncertain significance (1 of 4 stars; one submission).

Conditions:
Candidiasis, familial, 9 (CANDF9). Identifiers: Orphanet 1334, MedGen C4225324, MONDO:0014642, OMIM 616445.

Submission:

Labcorp Genetics (formerly Invitae), Labcorp
Classification: Uncertain significance for Candidiasis, familial, 9. Last evaluated: 2023-10-05. Review status: criteria provided, single submitter. Criteria: Invitae Variant Classification Sherloc (09022015). Collection method: clinical testing. Allele origin: germline.
Comment: This sequence change replaces aspartic acid, which is acidic and polar, with tyrosine, which is neutral and polar, at codon 521 of the IL17RC protein (p.Asp521Tyr). This variant is present in population databases (rs369935366, gnomAD 0.03%). This variant has not been reported in the literature in individuals affected with IL17RC-related conditions. An algorithm developed to predict the effect of missense changes on protein structure and function (PolyPhen-2) suggests that this variant is likely to be disruptive. In summary, the available evidence is currently insufficient to determine the role of this variant in disease. Therefore, it has been classified as a Variant of Uncertain Significance.